The following is an entry in ClinVar:

NM_002762.4(PRM2):c.*4T>A

Gene: PRM2 (protamine 2; minus strand). Cytogenetic location: 16p13.13.
Variant type: single nucleotide variant.
Coding change: c.*4T>A on transcript NM_002762.4 (MANE Select); 4 bases downstream of the stop codon, T replaced by A.
Molecular consequence: 3 prime UTR variant. On other transcripts: synonymous variant (2), non-coding transcript variant (1).
Genome position (GRCh38, 1-based): chr16:11,275,896, A>T on the plus strand (T>A on the coding strand, the complement: PRM2 is on the minus strand). VCF-style: chr16-11275896-A-T. GRCh37 (hg19) VCF-style: chr16-11369753-A-T.
Other names: c.357T>A, p.Leu119= (NM_001286356.2); c.*4T>A (NM_001286357.2); c.306T>A, p.Leu102= (NM_001286358.2); c.*51T>A (NM_001286359.2).
Identifiers: ClinVar variation 2646216 (VCV002646216.24), dbSNP rs1194210981, ClinGen allele CA620823789.

ClinVar aggregate classification (germline): Likely benign (1 of 4 stars; one submission).

gnomAD v4.1: 1 of 1,614,012 alleles (0.000062%); highest among the groups gnomAD compares: Admixed American, 0.0017%; no homozygotes.

Submission:

CeGaT Center for Human Genetics Tuebingen
Classification: Likely benign. Last evaluated: 2023-03-01. Review status: criteria provided, single submitter. Criteria: CeGaT Center For Human Genetics Tuebingen Variant Classification Criteria Version 2. Collection method: clinical testing. Allele origin: germline. Affected: yes. Observed: 1 variant allele.
Comment: PRM2: BP4, BP7